The following is an entry in ClinVar:

ClinVar aggregate classification (germline): Pathogenic/Likely pathogenic. Review status: criteria provided, multiple submitters, no conflicts (2 of 4 stars). 6 submissions from 6 submitters: Pathogenic (2); Likely pathogenic (2). 2 of the submissions do not count toward it. Last evaluated 2025-01-23.

Conditions:
Congenital lipoid adrenal hyperplasia due to STAR deficency. Also called: Lipoid adrenal hyperplasia; ADRENAL HYPERPLASIA I; Congenital Lipoid Adrenal Hyperplasia; Cholesterol monooxygenase (side-chain cleaving) deficiency. Identifiers: Orphanet 418, Orphanet 90790, MedGen C0342474, MONDO:0008725, OMIM 201710.

Allele frequency attached by ClinVar (database versions not stated): gnomAD below 0.00001 and 0.00001; TOPMed below 0.00001; ExAC 0.00001; gnomAD exomes 0.00001.

Submissions (6):

Labcorp Genetics (formerly Invitae), Labcorp
Classification: Pathogenic. Last evaluated: 2025-01-23. Review status: criteria provided, single submitter. Criteria: Invitae Variant Classification Sherloc (09022015). Collection method: clinical testing. Allele origin: germline.
Comment: This sequence change creates a premature translational stop signal (p.Ser46Alafs*63) in the STAR gene. It is expected to result in an absent or disrupted protein product. Loss-of-function variants in STAR are known to be pathogenic (PMID: 8948562). This variant is not present in population databases (gnomAD no frequency). This premature translational stop signal has been observed in individual(s) with congenital lipoid adrenal hyperplasia (PMID: 9141542). ClinVar contains an entry for this variant (Variation ID: 36782). For these reasons, this variant has been classified as Pathogenic.

Fulgent Genetics
Classification: Pathogenic for Congenital lipoid adrenal hyperplasia due to STAR deficency. Last evaluated: 2024-01-24. Review status: criteria provided, single submitter. Criteria: ACMG Guidelines, 2015. Collection method: clinical testing. Allele origin: germline.

Women's Health and Genetics/Laboratory Corporation of America, LabCorp
Classification: Likely pathogenic for Congenital Lipoid Adrenal Hyperplasia. Last evaluated: 2011-08-18. Review status: criteria provided, single submitter. Criteria: LabCorp Variant Classification Summary - May 2015. Collection method: curation, clinical testing. Allele origin: germline. Inheritance: autosomal recessive. Affected: yes. Observed: 2 variant alleles.
ClinVar note: Converted during submission from likely pathogenic to Likely pathogenic.

Neuberg Centre For Genomic Medicine, NCGM
Classification: Likely pathogenic for Congenital lipoid adrenal hyperplasia due to STAR deficency. Review status: criteria provided, single submitter. Criteria: ACMG Guidelines, 2015. Collection method: clinical testing. Allele origin: germline. Inheritance: Autosomal recessive inheritance. Affected: yes.
Comment: The frame shift c.135del (p.Ser46AlafsTer63) variant in STAR gene has been submitted to ClinVar as Pathogenic. The variant p.Ser46AlafsTer63 is absent in gnomAD and 1000 Genomes. This variant has been reported to the ClinVar database as Pathogenic/Likely_pathogenic. This variant causes a frameshift starting with codon Serine 46, changes this amino acid to Alanine residue, and creates a premature Stop codon at position 63 of the new reading frame, denoted p.Ser46AlafsTer63. This variant is predicted to cause loss of normal protein function through protein truncation. Loss of function variants have been previously reported to be disease causing. Functional studies are required to prove the pathogenicity for the variant, for these reasons, this variant has been classified as Likely Pathogenic.

Counsyl
Classification: Likely pathogenic for Congenital lipoid adrenal hyperplasia due to STAR deficency. Last evaluated: 2018-03-15. Review status: no assertion criteria provided. Collection method: clinical testing. Allele origin: unknown. Not counted in ClinVar's aggregate classification.

OMIM
Classification: Pathogenic for LIPOID CONGENITAL ADRENAL HYPERPLASIA. Last evaluated: 1997-05-01. Review status: no assertion criteria provided. Collection method: literature only. Allele origin: germline. Not counted in ClinVar's aggregate classification.

Literature cited by the submitters: PubMed 8948562 (cited by Labcorp Genetics (formerly Invitae), Labcorp); PubMed 9141542 (cited by 4 submitters); PubMed 10486704 (cited by Women's Health and Genetics/Laboratory Corporation of America, LabCorp).

NM_000349.3(STAR):c.135del (p.Ser46fs)

Gene: STAR (steroidogenic acute regulatory protein; minus strand). Cytogenetic location: 8p11.23.
Variant type: Deletion.
Coding change: c.135del on transcript NM_000349.3 (MANE Select); coding-DNA position 135, one base deleted (T; older notation c.135delT).
Protein change: p.Ser46fs; shifts the reading frame from serine 46.
Molecular consequence: frameshift variant.
Genome position (GRCh38, 1-based): chr8:38,148,684, A deleted on the plus strand (T on the coding strand, the reverse complement: STAR is on the minus strand). VCF-style (leftmost placement, unchanged base first): chr8-38148683-TA-T. GRCh37 (hg19) VCF-style: chr8-38006201-TA-T.
Other names: short protein forms S46fs.
Identifiers: ClinVar variation 36782 (VCV000036782.12), dbSNP rs193922393, ClinGen allele CA214255.